The following is an entry in ClinVar:

ClinVar aggregate classification (germline): Uncertain significance (1 of 4 stars; one submission).

Conditions:
Tuberous sclerosis 2 (TSC2). Identifiers: Orphanet 805, MedGen C1860707, MONDO:0013199, OMIM 613254.

gnomAD v4.1: 1 of 1,612,424 alleles (0.000062%); highest among the groups gnomAD compares: Non-Finnish European, 0.000085%; no homozygotes.

Submission:

Labcorp Genetics (formerly Invitae), Labcorp
Classification: Uncertain significance for Tuberous sclerosis 2. Last evaluated: 2025-05-09. Review status: criteria provided, single submitter. Criteria: Invitae Variant Classification Sherloc (09022015). Collection method: clinical testing. Allele origin: germline.
Comment: This sequence change replaces asparagine, which is neutral and polar, with aspartic acid, which is acidic and polar, at codon 229 of the TSC2 protein (p.Asn229Asp). This variant is not present in population databases (gnomAD no frequency). This variant has not been reported in the literature in individuals affected with TSC2-related conditions. ClinVar contains an entry for this variant (Variation ID: 3637176). Invitae Evidence Modeling of protein sequence and biophysical properties (such as structural, functional, and spatial information, amino acid conservation, physicochemical variation, residue mobility, and thermodynamic stability) indicates that this missense variant is not expected to disrupt TSC2 protein function with a negative predictive value of 95%. In summary, the available evidence is currently insufficient to determine the role of this variant in disease. Therefore, it has been classified as a Variant of Uncertain Significance.

NM_000548.5(TSC2):c.685A>G (p.Asn229Asp)

Gene: TSC2 (TSC complex subunit 2; plus strand). Cytogenetic location: 16p13.3.
Variant type: single nucleotide variant.
Coding change: c.685A>G on transcript NM_000548.5 (MANE Select); coding-DNA position 685, A replaced by G.
Protein change: p.Asn229Asp; replaces asparagine 229 with aspartic acid.
Molecular consequence: missense variant. On other transcripts: 5 prime UTR variant (10), non-coding transcript variant (5).
Genome position (GRCh38, 1-based): chr16:2,056,680, A>G. VCF-style: chr16-2056680-A-G. GRCh37 (hg19) VCF-style: chr16-2106681-A-G.
Other names: c.685A>G, p.Asn229Asp (NM_001077183.3, NM_001114382.3, NM_001363528.2 and 6 more transcripts); c.574A>G, p.Asn192Asp (NM_001318827.2, NM_001406670.1, NM_001406678.1); c.538A>G, p.Asn180Asp (NM_001318829.2, NM_001406675.1, NM_001406676.1 and 1 more transcripts); c.85A>G, p.Asn29Asp (NM_001318831.2, NM_001406684.1, NM_001406685.1 and 6 more transcripts); c.718A>G, p.Asn240Asp (NM_001318832.2); c.775A>G, p.Asn259Asp (NM_001406667.1, NM_001406668.1); c.673A>G, p.Asn225Asp (NM_001406671.1, NM_001406673.1); c.-747A>G (NM_001406689.1, NM_001406690.1, NM_001406691.1 and 4 more transcripts); and 4 more; short protein forms N180D, N210D, N229D, N240D, N29D, N259D, N75D, N192D.
Identifiers: ClinVar variation 3637176 (VCV003637176.2).
Genomic context (GRCh38, chr16:2,056,680, plus strand): 5'-GTGAGCCGTCTCCCTCTCCACCAGGTCTCCCTGCAGGTGCTGGACGCCGTGGTCTGCTAC[A>G]ACTGCCTGCCGGCTGAGAGCCTCCCGCTGTTCATCGTTACCCTCTGTCGCACCATCAACG-3'
Protein context (NP_000539.2, residues 219-239): LQVLDAVVCY[Asn229Asp]CLPAESLPLF